The following is an entry in ClinVar:

NM_005228.5(EGFR):c.670C>T (p.Arg224Cys)

Gene: EGFR (epidermal growth factor receptor; plus strand). Cytogenetic location: 7p11.2.
Variant type: single nucleotide variant.
Coding change: c.670C>T on transcript NM_005228.5 (MANE Select); coding-DNA position 670, C replaced by T.
Protein change: p.Arg224Cys; replaces arginine 224 with cysteine.
Molecular consequence: missense variant. On other transcripts: intron variant (1).
Genome position (GRCh38, 1-based): chr7:55,152,587, C>T. VCF-style: chr7-55152587-C-T. GRCh37 (hg19) VCF-style: chr7-55220280-C-T.
Other names: c.535C>T, p.Arg179Cys (NM_001346897.2, NM_001346899.2); c.670C>T, p.Arg224Cys (NM_001346898.2, NM_201282.2, NM_201283.2 and 1 more transcripts); c.511C>T, p.Arg171Cys (NM_001346900.2); c.89-3243C>T (NM_001346941.2); short protein forms R179C, R171C, R224C.
Identifiers: ClinVar variation 856606 (VCV000856606.8), dbSNP rs1785212707, ClinGen allele CA367577403.

ClinVar aggregate classification (germline): Uncertain significance. Review status: criteria provided, multiple submitters, no conflicts (2 of 4 stars). 3 submissions from 3 submitters: Uncertain significance (3). Last evaluated 2026-01-26.

Conditions:
Hereditary cancer-predisposing syndrome. Also called: Neoplastic Syndromes, Hereditary; Tumor predisposition; Hereditary Cancer Syndrome; Hereditary neoplastic syndrome. Identifiers: Orphanet 140162, MedGen C0027672, MeSH D009386, MONDO:0015356.
EGFR-related lung cancer (EGFR). Identifiers: MedGen CN130014.

Allele frequency attached by ClinVar (database versions not stated): gnomAD exomes below 0.00001; TOPMed below 0.00001.

Submissions (3):

Labcorp Genetics (formerly Invitae), Labcorp
Classification: Uncertain significance for EGFR-related lung cancer. Last evaluated: 2026-01-26. Review status: criteria provided, single submitter. Criteria: Invitae Variant Classification Sherloc (09022015). Collection method: clinical testing. Allele origin: germline.
Comment: This sequence change replaces arginine, which is basic and polar, with cysteine, which is neutral and slightly polar, at codon 224 of the EGFR protein (p.Arg224Cys). This variant is not present in population databases (gnomAD no frequency). This variant has not been reported in the literature in individuals affected with EGFR-related conditions. ClinVar contains an entry for this variant (Variation ID: 856606). Invitae Evidence Modeling of protein sequence and biophysical properties (such as structural, functional, and spatial information, amino acid conservation, physicochemical variation, residue mobility, and thermodynamic stability) indicates that this missense variant is not expected to disrupt EGFR protein function with a negative predictive value of 80%. In summary, the available evidence is currently insufficient to determine the role of this variant in disease. Therefore, it has been classified as a Variant of Uncertain Significance.

Ambry Genetics
Classification: Uncertain significance for Hereditary cancer-predisposing syndrome. Last evaluated: 2024-12-04. Review status: criteria provided, single submitter. Criteria: Ambry Variant Classification Scheme 2023. Collection method: clinical testing. Allele origin: germline.
Comment: The p.R224C variant (also known as c.670C>T), located in coding exon 6 of the EGFR gene, results from a C to T substitution at nucleotide position 670. The arginine at codon 224 is replaced by cysteine, an amino acid with highly dissimilar properties. This amino acid position is not well conserved in available vertebrate species. In addition, the in silico prediction for this alteration is inconclusive. Based on the available evidence, the clinical significance of this variant remains unclear.

Blueprint Genetics
Classification: Uncertain significance. Last evaluated: 2024-10-09. Review status: criteria provided, single submitter. Criteria: ACMG Guidelines, 2015. Collection method: clinical testing. Allele origin: germline.